The following is an entry in ClinVar:

ClinVar aggregate classification (germline): Uncertain significance (1 of 4 stars; one submission).

Submission:

GeneDx
Classification: Uncertain significance. Last evaluated: 2022-07-08. Review status: criteria provided, single submitter. Criteria: GeneDx Variant Classification Process June 2021. Collection method: clinical testing. Allele origin: germline. Affected: yes.
Comment: Not observed at significant frequency in large population cohorts (gnomAD); In silico analysis supports that this missense variant has a deleterious effect on protein structure/function; Has not been previously published as pathogenic or benign to our knowledge

NM_004230.4(S1PR2):c.341T>G (p.Ile114Ser)

Gene: S1PR2 (sphingosine-1-phosphate receptor 2; minus strand). Cytogenetic location: 19p13.2.
Variant type: single nucleotide variant.
Coding change: c.341T>G on transcript NM_004230.4 (MANE Select); coding-DNA position 341, T replaced by G.
Protein change: p.Ile114Ser; replaces isoleucine 114 with serine.
Molecular consequence: missense variant.
Genome position (GRCh38, 1-based): chr19:10,224,565, A>C on the plus strand (T>G on the coding strand, the complement: S1PR2 is on the minus strand). VCF-style: chr19-10224565-A-C. GRCh37 (hg19) VCF-style: chr19-10335241-A-C.
Other names: short protein forms I114S.
Identifiers: ClinVar variation 1810679 (VCV001810679.1), dbSNP rs2513959841, ClinGen allele CA403948705.